The following is an entry in ClinVar:

ClinVar aggregate classification (germline): Likely benign. Review status: criteria provided, multiple submitters, no conflicts (2 of 4 stars). 4 submissions from 4 submitters: Likely benign (4). Last evaluated 2025-07-22.

Conditions:
Cardiovascular phenotype. Identifiers: MedGen CN230736.
Catecholaminergic polymorphic ventricular tachycardia (CVPT). Also called: Catecholamine-induced polymorphic ventricular tachycardia. Identifiers: Orphanet 3286, MedGen C5574922, MONDO:0017990.
Cardiomyopathy (CMYO). Also called: Cardiomyopathies. Identifiers: Orphanet 167848, MedGen C0878544, MONDO:0004994, HP:0001638. Inheritance: Various modes of inheritance.
Catecholaminergic polymorphic ventricular tachycardia 1. Also called: VENTRICULAR TACHYCARDIA, CATECHOLAMINERGIC POLYMORPHIC, 1, WITH OR WITHOUT ATRIAL DYSFUNCTION AND/OR DILATED CARDIOMYOPATHY; RYR2-Related Catecholaminergic Polymorphic Ventricular Tachycardia; VENTRICULAR TACHYCARDIA, STRESS-INDUCED POLYMORPHIC 1. Identifiers: Orphanet 3286, MedGen C1631597, MONDO:0011484, OMIM 604772.

Allele frequency attached by ClinVar (database versions not stated): gnomAD exomes below 0.00001; TOPMed below 0.00001; ExAC 0.00001; gnomAD 0.00001; ESP Exome Variant Server 0.00008.
gnomAD v4.1: 4 of 1,613,638 alleles (0.00025%); highest among the groups gnomAD compares: Middle Eastern, 0.016%; no homozygotes.

Submissions (4):

Labcorp Genetics (formerly Invitae), Labcorp
Classification: Likely benign for Catecholaminergic polymorphic ventricular tachycardia 1. Last evaluated: 2025-07-22. Review status: criteria provided, single submitter. Criteria: Invitae Variant Classification Sherloc (09022015). Collection method: clinical testing. Allele origin: germline.

Ambry Genetics
Classification: Likely benign for Cardiovascular phenotype. Last evaluated: 2024-09-08. Review status: criteria provided, single submitter. Criteria: Ambry Variant Classification Scheme 2023. Collection method: clinical testing. Allele origin: germline.

All of Us Research Program, National Institutes of Health
Classification: Likely benign for Catecholaminergic polymorphic ventricular tachycardia. Last evaluated: 2023-05-15. Review status: criteria provided, single submitter. Criteria: ACMG Guidelines, 2015. Collection method: clinical testing. Allele origin: germline. Inheritance: Autosomal dominant inheritance. Observed: 1 variant allele, 1 heterozygote.
Comment: This study involves interpretation of variants in research participants for the purpose of population health screening. Participant phenotype was not available at the time of variant classification. Additional details can be found in publication PMID: 35346344, PMCID: PMC8962531

Color Diagnostics, LLC DBA Color Health
Classification: Likely benign for Cardiomyopathy. Last evaluated: 2019-12-23. Review status: criteria provided, single submitter. Criteria: ACMG Guidelines, 2015. Collection method: clinical testing. Allele origin: germline.

NM_001035.3(RYR2):c.13681C>T (p.Leu4561=)

Gene: RYR2 (ryanodine receptor 2; plus strand). Cytogenetic location: 1q43.
Variant type: single nucleotide variant.
Coding change: c.13681C>T on transcript NM_001035.3 (MANE Select); coding-DNA position 13681, C replaced by T.
Protein change: p.Leu4561=; no amino-acid change (leucine 4561 retained).
Molecular consequence: synonymous variant.
Genome position (GRCh38, 1-based): chr1:237,792,222, C>T. VCF-style: chr1-237792222-C-T. GRCh37 (hg19) VCF-style: chr1-237955522-C-T.
Other names: c.13681C>T (NM_001035.2).
Identifiers: ClinVar variation 924559 (VCV000924559.14), dbSNP rs372599604, ClinGen allele CA085432.